The following is an entry in ClinVar:

NM_000815.5(GABRD):c.823G>A (p.Ala275Thr)

Gene: GABRD (gamma-aminobutyric acid type A receptor subunit delta; plus strand). Cytogenetic location: 1p36.33.
Variant type: single nucleotide variant.
Coding change: c.823G>A on transcript NM_000815.5 (MANE Select); coding-DNA position 823, G replaced by A.
Protein change: p.Ala275Thr; replaces alanine 275 with threonine.
Molecular consequence: missense variant.
Genome position (GRCh38, 1-based): chr1:2,029,242, G>A. VCF-style: chr1-2029242-G-A. GRCh37 (hg19) VCF-style: chr1-1960681-G-A.
Other names: short protein forms A275T.
Identifiers: ClinVar variation 2115265 (VCV002115265.4), dbSNP rs1394297354, ClinGen allele CA337959388.

ClinVar aggregate classification (germline): Uncertain significance (1 of 4 stars; one submission).

Conditions:
Idiopathic generalized epilepsy. Also called: EIG; Generalised epilepsy. Identifiers: MedGen C0270850, MONDO:0005579, OMIM 600669.

Submission:

Labcorp Genetics (formerly Invitae), Labcorp
Classification: Uncertain significance for Idiopathic generalized epilepsy. Last evaluated: 2024-10-25. Review status: criteria provided, single submitter. Criteria: Invitae Variant Classification Sherloc (09022015). Collection method: clinical testing. Allele origin: germline.
Comment: This sequence change replaces alanine, which is neutral and non-polar, with threonine, which is neutral and polar, at codon 275 of the GABRD protein (p.Ala275Thr). This variant is not present in population databases (gnomAD no frequency). This variant has not been reported in the literature in individuals affected with GABRD-related conditions. ClinVar contains an entry for this variant (Variation ID: 2115265). An algorithm developed to predict the effect of missense changes on protein structure and function (PolyPhen-2) suggests that this variant is likely to be disruptive. In summary, the available evidence is currently insufficient to determine the role of this variant in disease. Therefore, it has been classified as a Variant of Uncertain Significance.